The following is an entry in ClinVar:

NM_001134407.3(GRIN2A):c.988C>T (p.Pro330Ser)

Gene: GRIN2A (glutamate ionotropic receptor NMDA type subunit 2A; minus strand). Cytogenetic location: 16p13.2.
Variant type: single nucleotide variant.
Coding change: c.988C>T on transcript NM_001134407.3 (MANE Select); coding-DNA position 988, C replaced by T.
Protein change: p.Pro330Ser; replaces proline 330 with serine.
Molecular consequence: missense variant.
Genome position (GRCh38, 1-based): chr16:9,937,978, G>A on the plus strand (C>T on the coding strand, the complement: GRIN2A is on the minus strand). VCF-style: chr16-9937978-G-A. GRCh37 (hg19) VCF-style: chr16-10031835-G-A.
Other names: c.988C>T, p.Pro330Ser (NM_000833.5, NM_001134408.2); short protein forms P330S.
Identifiers: ClinVar variation 2580789 (VCV002580789.1), dbSNP rs2044754364, ClinGen allele CA394798063.
Genomic context (GRCh38, chr16:9,937,978, plus strand): 5'-AACTCTGATCCCACTTTGGGAGACAACAAGCCCTTTCTTACGGGTGCAAGGTGTGCATCG[G>A]GACCTCTGGCCTCTCCATCTGCCCGTAGCAGCTGGCCTTGGCCTCGGGGATGTAGGAGAA-3'
Protein context (NP_001127879.1, residues 320-340): CYGQMERPEV[Pro330Ser]MHTLHPFMVN

ClinVar aggregate classification (germline): Uncertain significance (1 of 4 stars; one submission).

Allele frequency attached by ClinVar (database versions not stated): gnomAD exomes below 0.00001; gnomAD 0.00001.
gnomAD v4.1: 2 of 1,613,470 alleles (0.00012%); highest among the groups gnomAD compares: African/African-American, 0.0013%; no homozygotes.

Submission:

GeneDx
Classification: Uncertain significance. Last evaluated: 2023-09-22. Review status: criteria provided, single submitter. Criteria: GeneDx Variant Classification Process June 2021. Collection method: clinical testing. Allele origin: germline. Affected: yes.
Comment: Not observed at significant frequency in large population cohorts (gnomAD); In silico analysis supports that this missense variant does not alter protein structure/function; Has not been previously published as pathogenic or benign to our knowledge